The following is an entry in ClinVar:

NM_000038.6(APC):c.2695A>G (p.Thr899Ala)

Gene: APC (APC regulator of Wnt signaling pathway; plus strand). Cytogenetic location: 5q22.2.
Variant type: single nucleotide variant.
Coding change: c.2695A>G on transcript NM_000038.6 (MANE Select); coding-DNA position 2695, A replaced by G.
Protein change: p.Thr899Ala; replaces threonine 899 with alanine.
Molecular consequence: missense variant. On other transcripts: non-coding transcript variant (2).
Genome position (GRCh38, 1-based): chr5:112,838,289, A>G. VCF-style: chr5-112838289-A-G. GRCh37 (hg19) VCF-style: chr5-112173986-A-G.
Other names: c.2695A>G, p.Thr899Ala (NM_001127510.3, NM_001354895.2, NM_001407450.1); c.2641A>G, p.Thr881Ala (NM_001127511.3); c.2749A>G, p.Thr917Ala (NM_001354896.2, NM_001407447.1, NM_001407448.1 and 1 more transcripts); c.2725A>G, p.Thr909Ala (NM_001354897.2); c.2620A>G, p.Thr874Ala (NM_001354898.2); c.2611A>G, p.Thr871Ala (NM_001354899.2); c.2572A>G, p.Thr858Ala (NM_001354900.2); c.2518A>G, p.Thr840Ala (NM_001354901.2, NM_001407453.1); and 11 more; short protein forms T616A, T773A, T798A, T871A, T917A, T816A, T881A, T889A.
Identifiers: ClinVar variation 2566973 (VCV002566973.2), dbSNP rs2149875455, ClinGen allele CA16027215.
Genomic context (GRCh38, chr5:112,838,289, plus strand): 5'-CAGATCTCCACCACTGCAGCCCAGATTGCCAAAGTCATGGAAGAAGTGTCAGCCATTCAT[A>G]CCTCTCAGGAAGACAGAAGTTCTGGGTCTACCACTGAATTACATTGTGTGACAGATGAGA-3'
Protein context (NP_000029.2, residues 889-909): KVMEEVSAIH[Thr899Ala]SQEDRSSGST

ClinVar aggregate classification (germline): Uncertain significance (1 of 4 stars; one submission).

Conditions:
Hereditary cancer-predisposing syndrome. Also called: Hereditary neoplastic syndrome; Hereditary Cancer Syndrome; Neoplastic Syndromes, Hereditary; Tumor predisposition. Identifiers: Orphanet 140162, MedGen C0027672, MeSH D009386, MONDO:0015356.

Submission:

Ambry Genetics
Classification: Uncertain significance for Hereditary cancer-predisposing syndrome. Last evaluated: 2023-04-18. Review status: criteria provided, single submitter. Criteria: Ambry Variant Classification Scheme 2023. Collection method: clinical testing. Allele origin: germline.
Comment: The p.T899A variant (also known as c.2695A>G), located in coding exon 15 of the APC gene, results from an A to G substitution at nucleotide position 2695. The threonine at codon 899 is replaced by alanine, an amino acid with similar properties. This amino acid position is conserved. In addition, in silico predictors for this gene do not accurately predict pathogenicity. Since supporting evidence is limited at this time, the clinical significance of this alteration remains unclear.